The following is an entry in ClinVar:

ClinVar aggregate classification (germline): Uncertain significance (1 of 4 stars; one submission).

Conditions:
Cardiovascular phenotype. Identifiers: MedGen CN230736.

Submission:

Ambry Genetics
Classification: Uncertain significance for Cardiovascular phenotype. Last evaluated: 2024-05-17. Review status: criteria provided, single submitter. Criteria: Ambry Variant Classification Scheme 2023. Collection method: clinical testing. Allele origin: germline.
Comment: The p.N3257D variant (also known as c.9769A>G), located in coding exon 26 of the APOB gene, results from an A to G substitution at nucleotide position 9769. The asparagine at codon 3257 is replaced by aspartic acid, an amino acid with highly similar properties. This amino acid position is conserved. In addition, this alteration is predicted to be tolerated by in silico analysis. Based on the available evidence, the clinical significance of this variant remains unclear.

NM_000384.3(APOB):c.9769A>G (p.Asn3257Asp)

Gene: APOB (apolipoprotein B; minus strand). Cytogenetic location: 2p24.1.
Variant type: single nucleotide variant.
Coding change: c.9769A>G on transcript NM_000384.3 (MANE Select); coding-DNA position 9769, A replaced by G.
Protein change: p.Asn3257Asp; replaces asparagine 3257 with aspartic acid.
Molecular consequence: missense variant.
Genome position (GRCh38, 1-based): chr2:21,007,099, T>C on the plus strand (A>G on the coding strand, the complement: APOB is on the minus strand). VCF-style: chr2-21007099-T-C. GRCh37 (hg19) VCF-style: chr2-21229971-T-C.
Other names: short protein forms N3257D.
Identifiers: ClinVar variation 3307897 (VCV003307897.1).
Genomic context (GRCh38, chr2:21,007,099, plus strand): 5'-CTTTTGGGAACACATAGCCGAATGCCGACATCTCTATGGTGAATGGAGACACTTCAACAT[T>C]GACAACTGGAACAGTGTATCCAGGAATTTGAAAGGTCCTGGGGAGCTCGTCGTGAGATTT-3'
Protein context (NP_000375.3, residues 3247-3267): QIPGYTVPVV[Asn3257Asp]VEVSPFTIEM